The following is an entry in ClinVar:

NM_000388.4(CASR):c.1876C>A (p.Leu626Met)

Gene: CASR (calcium sensing receptor; plus strand). Cytogenetic location: 3q21.1.
Variant type: single nucleotide variant.
Coding change: c.1876C>A on transcript NM_000388.4 (MANE Select); coding-DNA position 1876, C replaced by A.
Protein change: p.Leu626Met; replaces leucine 626 with methionine.
Molecular consequence: missense variant.
Genome position (GRCh38, 1-based): chr3:122,283,830, C>A. VCF-style: chr3-122283830-C-A. GRCh37 (hg19) VCF-style: chr3-122002677-C-A.
Other names: c.1906C>A, p.Leu636Met (NM_001178065.2); short protein forms L626M, L636M.
Identifiers: ClinVar variation 1414137 (VCV001414137.8), dbSNP rs2107649551, ClinGen allele CA354157792.

ClinVar aggregate classification (germline): Uncertain significance (1 of 4 stars; one submission).

Conditions:
Autosomal dominant hypocalcemia 1 (HYPOC1). Also called: HYPOCALCEMIA, FAMILIAL. Identifiers: MedGen C3715128, MONDO:0011013, OMIM 601198.
Familial hypocalciuric hypercalcemia (FHH). Also called: Familial benign hypercalcemia. Identifiers: Orphanet 405, MedGen C1809471, MONDO:0018458.

Allele frequency attached by ClinVar (database versions not stated): gnomAD exomes below 0.00001.

Submission:

Labcorp Genetics (formerly Invitae), Labcorp
Classification: Uncertain significance for Familial hypocalciuric hypercalcemia; Autosomal dominant hypocalcemia 1. Last evaluated: 2021-03-13. Review status: criteria provided, single submitter. Criteria: Invitae Variant Classification Sherloc (09022015). Collection method: clinical testing. Allele origin: germline.
Comment: In summary, the available evidence is currently insufficient to determine the role of this variant in disease. Therefore, it has been classified as a Variant of Uncertain Significance. Algorithms developed to predict the effect of missense changes on protein structure and function are either unavailable or do not agree on the potential impact of this missense change (SIFT: "Deleterious"; PolyPhen-2: "Benign"; Align-GVGD: "Class C0"). This variant has not been reported in the literature in individuals with CASR-related conditions. This variant is not present in population databases (ExAC no frequency). This sequence change replaces leucine with methionine at codon 626 of the CASR protein (p.Leu626Met). The leucine residue is highly conserved and there is a small physicochemical difference between leucine and methionine.